The following is an entry in ClinVar:

NM_005886.3(KATNB1):c.521G>C (p.Trp174Ser)

Gene: KATNB1 (katanin regulatory subunit B1; plus strand). Cytogenetic location: 16q21.
Variant type: single nucleotide variant.
Coding change: c.521G>C on transcript NM_005886.3 (MANE Select); coding-DNA position 521, G replaced by C.
Protein change: p.Trp174Ser; replaces tryptophan 174 with serine.
Molecular consequence: missense variant.
Genome position (GRCh38, 1-based): chr16:57,751,944, G>C. VCF-style: chr16-57751944-G-C. GRCh37 (hg19) VCF-style: chr16-57785856-G-C.
Other names: short protein forms W174S.
Identifiers: ClinVar variation 1475898 (VCV001475898.6), dbSNP rs1555583368, ClinGen allele CA396068246.
Genomic context (GRCh38, chr16:57,751,944, plus strand): 5'-AGGGTGGGCAGCCAAGATGCCTGGTCACCCTGACCTCCTCCCTGCCCTGCCTCCAGCTCT[G>C]GGATCTCACTGCCGGCAAGATGATGTCTGAGTTCCCTGGTCACACGGGGCCTGTCAACGT-3'
Protein context (NP_005877.2, residues 164-184): SAADDHTVKL[Trp174Ser]DLTAGKMMSE

ClinVar aggregate classification (germline): Uncertain significance (1 of 4 stars; one submission).

Allele frequency attached by ClinVar (database versions not stated): gnomAD exomes below 0.00001.
gnomAD v4.1: 1 of 1,612,936 alleles (0.000062%); highest among the groups gnomAD compares: South Asian, 0.0011%; no homozygotes.

Submission:

Labcorp Genetics (formerly Invitae), Labcorp
Classification: Uncertain significance. Last evaluated: 2021-09-24. Review status: criteria provided, single submitter. Criteria: Invitae Variant Classification Sherloc (09022015). Collection method: clinical testing. Allele origin: germline.
Comment: This variant has not been reported in the literature in individuals affected with KATNB1-related conditions. This sequence change replaces tryptophan with serine at codon 174 of the KATNB1 protein (p.Trp174Ser). The tryptophan residue is highly conserved and there is a large physicochemical difference between tryptophan and serine. This variant is not present in population databases (ExAC no frequency). Advanced modeling of protein sequence and biophysical properties (such as structural, functional, and spatial information, amino acid conservation, physicochemical variation, residue mobility, and thermodynamic stability) performed at Invitae indicates that this missense variant is expected to disrupt KATNB1 protein function. In summary, the available evidence is currently insufficient to determine the role of this variant in disease. Therefore, it has been classified as a Variant of Uncertain Significance.